The following is an entry in ClinVar:

ClinVar aggregate classification (germline): Uncertain significance (1 of 4 stars; one submission).

Conditions:
Distal hereditary motor neuropathy type 2. Identifiers: Orphanet 139525, MedGen C3711384, MeSH C580044, MONDO:0015352.

Allele frequency attached by ClinVar (database versions not stated): gnomAD exomes below 0.00001.

Submission:

Labcorp Genetics (formerly Invitae), Labcorp
Classification: Uncertain significance for Distal hereditary motor neuropathy type 2. Last evaluated: 2022-08-16. Review status: criteria provided, single submitter. Criteria: Invitae Variant Classification Sherloc (09022015). Collection method: clinical testing. Allele origin: germline.
Comment: ClinVar contains an entry for this variant (Variation ID: 1024303). In summary, the available evidence is currently insufficient to determine the role of this variant in disease. Therefore, it has been classified as a Variant of Uncertain Significance. This variant has not been reported in the literature in individuals affected with FBXO38-related conditions. This sequence change affects the initiator methionine of the FBXO38 mRNA. The next in-frame methionine is located at codon 13. This variant is not present in population databases (gnomAD no frequency).

NM_205836.3(FBXO38):c.1A>G (p.Met1Val)

Gene: FBXO38 (F-box protein 38; plus strand). Cytogenetic location: 5q32.
Variant type: single nucleotide variant.
Coding change: c.1A>G on transcript NM_205836.3 (MANE Select); coding-DNA position 1, A replaced by G.
Protein change: p.Met1Val; changes the start codon (methionine 1).
Molecular consequence: missense variant, initiator codon variant.
Genome position (GRCh38, 1-based): chr5:148,394,777, A>G. VCF-style: chr5-148394777-A-G. GRCh37 (hg19) VCF-style: chr5-147774340-A-G.
Other names: c.1A>G, p.Met1Val (NM_001271723.2, NM_030793.5); short protein forms M1V.
Identifiers: ClinVar variation 1024303 (VCV001024303.11), dbSNP rs1758391504, ClinGen allele CA361653412.